The following is an entry in ClinVar:

NM_001191061.2(SLC25A22):c.326C>A (p.Ala109Glu)

Gene: SLC25A22 (solute carrier family 25 member 22; minus strand). Cytogenetic location: 11p15.5.
Variant type: single nucleotide variant.
Coding change: c.326C>A on transcript NM_001191061.2 (MANE Select); coding-DNA position 326, C replaced by A.
Protein change: p.Ala109Glu; replaces alanine 109 with glutamic acid.
Molecular consequence: missense variant.
Genome position (GRCh38, 1-based): chr11:792,956, G>T on the plus strand (C>A on the coding strand, the complement: SLC25A22 is on the minus strand). VCF-style: chr11-792956-G-T. GRCh37 (hg19) VCF-style: chr11-792956-G-T.
Other names: c.326C>A, p.Ala109Glu (NM_001191060.2, NM_024698.6); short protein forms A109E.
Identifiers: ClinVar variation 1056838 (VCV001056838.10), dbSNP rs1565037173, ClinGen allele CA378971149.

ClinVar aggregate classification (germline): Uncertain significance (1 of 4 stars; one submission).

Conditions:
Early-infantile DEE. Also called: Ohtahara syndrome; Early infantile epileptic encephalopathy with suppression bursts; Early infantile epileptic encephalopathy. Identifiers: Orphanet 1934, MedGen C0393706, MONDO:0800491.

Submission:

Labcorp Genetics (formerly Invitae), Labcorp
Classification: Uncertain significance for Early-infantile DEE. Last evaluated: 2022-07-06. Review status: criteria provided, single submitter. Criteria: Invitae Variant Classification Sherloc (09022015). Collection method: clinical testing. Allele origin: germline.
Comment: ClinVar contains an entry for this variant (Variation ID: 1056838). This missense change has been observed in individual(s) with clinical features of epileptic encephalopathy (Invitae). This variant is not present in population databases (gnomAD no frequency). This sequence change replaces alanine, which is neutral and non-polar, with glutamic acid, which is acidic and polar, at codon 109 of the SLC25A22 protein (p.Ala109Glu). In summary, the available evidence is currently insufficient to determine the role of this variant in disease. Therefore, it has been classified as a Variant of Uncertain Significance. Algorithms developed to predict the effect of missense changes on protein structure and function (SIFT, PolyPhen-2, Align-GVGD) all suggest that this variant is likely to be disruptive.